The following is an entry in ClinVar:

ClinVar aggregate classification (germline): Uncertain significance (1 of 4 stars; one submission).

Submission:

Labcorp Genetics (formerly Invitae), Labcorp
Classification: Uncertain significance. Last evaluated: 2024-10-12. Review status: criteria provided, single submitter. Criteria: Invitae Variant Classification Sherloc (09022015). Collection method: clinical testing. Allele origin: germline.
Comment: This sequence change affects a donor splice site in intron 8 of the A2ML1 gene. It is expected to disrupt RNA splicing. Variants that disrupt the donor or acceptor splice site typically lead to a loss of protein function (PMID: 16199547), however the current clinical and genetic evidence is not sufficient to establish whether loss-of-function variants in A2ML1 cause disease. This variant is not present in population databases (gnomAD no frequency). This variant has not been reported in the literature in individuals affected with A2ML1-related conditions. Algorithms developed to predict the effect of sequence changes on RNA splicing suggest that this variant may disrupt the consensus splice site. In summary, the available evidence is currently insufficient to determine the role of this variant in disease. Therefore, it has been classified as a Variant of Uncertain Significance.

Literature cited by the submitters: PubMed 16199547.

NM_144670.6(A2ML1):c.855+2T>G

Gene: A2ML1 (alpha-2-macroglobulin like 1; plus strand). Cytogenetic location: 12p13.31.
Variant type: single nucleotide variant.
Coding change: c.855+2T>G on transcript NM_144670.6 (MANE Select); the canonical splice donor site of the intron after coding-DNA position 855, T replaced by G.
Molecular consequence: splice donor variant.
Genome position (GRCh38, 1-based): chr12:8,837,568, T>G. VCF-style: chr12-8837568-T-G. GRCh37 (hg19) VCF-style: chr12-8990164-T-G.
Identifiers: ClinVar variation 3722325 (VCV003722325.2).